The following is an entry in ClinVar:

ClinVar aggregate classification (germline): Uncertain significance (1 of 4 stars; one submission).

Conditions:
Perlman syndrome (PRLMNS). Identifiers: Orphanet 2849, MedGen C0796113, MONDO:0009965, OMIM 267000.

Submission:

Labcorp Genetics (formerly Invitae), Labcorp
Classification: Uncertain significance for Perlman syndrome. Last evaluated: 2022-08-06. Review status: criteria provided, single submitter. Criteria: Invitae Variant Classification Sherloc (09022015). Collection method: clinical testing. Allele origin: germline.
Comment: This variant is not present in population databases (gnomAD no frequency). This sequence change replaces glutamic acid, which is acidic and polar, with glycine, which is neutral and non-polar, at codon 419 of the DIS3L2 protein (p.Glu419Gly). In summary, the available evidence is currently insufficient to determine the role of this variant in disease. Therefore, it has been classified as a Variant of Uncertain Significance. Algorithms developed to predict the effect of missense changes on protein structure and function are either unavailable or do not agree on the potential impact of this missense change (SIFT: "Deleterious"; PolyPhen-2: "Probably Damaging"; Align-GVGD: "Class C0"). This variant has not been reported in the literature in individuals affected with DIS3L2-related conditions.

NM_152383.5(DIS3L2):c.1256A>G (p.Glu419Gly)

Gene: DIS3L2 (DIS3 like 3'-5' exoribonuclease 2; plus strand). Cytogenetic location: 2q37.1.
Variant type: single nucleotide variant.
Coding change: c.1256A>G on transcript NM_152383.5 (MANE Select); coding-DNA position 1256, A replaced by G.
Protein change: p.Glu419Gly; replaces glutamic acid 419 with glycine.
Molecular consequence: missense variant. On other transcripts: non-coding transcript variant (2).
Genome position (GRCh38, 1-based): chr2:232,238,584, A>G. VCF-style: chr2-232238584-A-G. GRCh37 (hg19) VCF-style: chr2-233103294-A-G.
Other names: c.1256A>G, p.Glu419Gly (NM_001257281.2); short protein forms E419G.
Identifiers: ClinVar variation 2421718 (VCV002421718.6), dbSNP rs2470030465, ClinGen allele CA351154664.